The following is an entry in ClinVar:

NM_005529.7(HSPG2):c.9499C>T (p.His3167Tyr)

Gene: HSPG2 (heparan sulfate proteoglycan 2; minus strand). Cytogenetic location: 1p36.12.
Variant type: single nucleotide variant.
Coding change: c.9499C>T on transcript NM_005529.7 (MANE Select); coding-DNA position 9499, C replaced by T.
Protein change: p.His3167Tyr; replaces histidine 3167 with tyrosine.
Molecular consequence: missense variant.
Genome position (GRCh38, 1-based): chr1:21,841,115, G>A on the plus strand (C>T on the coding strand, the complement: HSPG2 is on the minus strand). VCF-style: chr1-21841115-G-A. GRCh37 (hg19) VCF-style: chr1-22167608-G-A.
Other names: c.9502C>T, p.His3168Tyr (NM_001291860.2); short protein forms H3167Y, H3168Y.
Identifiers: ClinVar variation 1375976 (VCV001375976.6), dbSNP rs2152705065, ClinGen allele CA338913990.
Genomic context (GRCh38, chr1:21,841,115, plus strand): 5'-GGCCATGGACTGGGCCTCAGACCCAGAGAGGCAGCCCCGGCTTCACCTGCAGCACCGCGT[G>A]GCTGTCCATGAGCCCATATGTCCGCTGCTCCAACTTGGCAGGGGTGCTGCTGATCCGGGT-3'
Protein context (NP_005520.4, residues 3157-3177): EQRTYGLMDS[His3167Tyr]AVLQISSAKP

ClinVar aggregate classification (germline): Uncertain significance (1 of 4 stars; one submission).

gnomAD v4.1: 3 of 1,610,740 alleles (0.00019%); highest among the groups gnomAD compares: Non-Finnish European, 0.00025%; no homozygotes.

Submission:

Labcorp Genetics (formerly Invitae), Labcorp
Classification: Uncertain significance. Last evaluated: 2025-11-10. Review status: criteria provided, single submitter. Criteria: Invitae Variant Classification Sherloc (09022015). Collection method: clinical testing. Allele origin: germline.
Comment: This sequence change replaces histidine, which is basic and polar, with tyrosine, which is neutral and polar, at codon 3167 of the HSPG2 protein (p.His3167Tyr). This variant is not present in population databases (gnomAD no frequency). This variant has not been reported in the literature in individuals affected with HSPG2-related conditions. ClinVar contains an entry for this variant (Variation ID: 1375976). An algorithm developed to predict the effect of missense changes on protein structure and function (PolyPhen-2) suggests that this variant is likely to be tolerated. In summary, the available evidence is currently insufficient to determine the role of this variant in disease. Therefore, it has been classified as a Variant of Uncertain Significance.